The following is an entry in ClinVar:

NM_006267.5(RANBP2):c.7625G>T (p.Gly2542Val)

Gene: RANBP2 (RAN binding protein 2; plus strand). Cytogenetic location: 2q13.
Variant type: single nucleotide variant.
Coding change: c.7625G>T on transcript NM_006267.5 (MANE Select); coding-DNA position 7625, G replaced by T.
Protein change: p.Gly2542Val; replaces glycine 2542 with valine.
Molecular consequence: missense variant.
Genome position (GRCh38, 1-based): chr2:108,768,164, G>T. VCF-style: chr2-108768164-G-T. GRCh37 (hg19) VCF-style: chr2-109384620-G-T.
Other names: short protein forms G2542V.
Identifiers: ClinVar variation 949153 (VCV000949153.6), dbSNP rs1677244353, ClinGen allele CA348079336.

ClinVar aggregate classification (germline): Uncertain significance. Review status: criteria provided, multiple submitters, no conflicts (2 of 4 stars). 2 submissions from 2 submitters: Uncertain significance (2). Last evaluated 2023-07-11.

Conditions:
Familial acute necrotizing encephalopathy (IIAE3). Also called: ENCEPHALOPATHY, ACUTE, INFECTION-INDUCED, SUSCEPTIBILITY TO, 3; Susceptibility to Acute Necrotizing Encephalopathy 1. Identifiers: Orphanet 88619, MedGen C2675556, MONDO:0011953, OMIM 608033.

Submissions (2):

Women's Health and Genetics/Laboratory Corporation of America, LabCorp
Classification: Uncertain significance. Last evaluated: 2023-07-11. Review status: criteria provided, single submitter. Criteria: LabCorp Variant Classification Summary - May 2015. Collection method: clinical testing. Allele origin: germline.
Comment: Variant summary: RANBP2 c.7625G>T (p.Gly2542Val) results in a non-conservative amino acid change in the encoded protein sequence. Three of five in-silico tools predict a damaging effect of the variant on protein function. The variant was absent in 251064 control chromosomes (gnomAD). The available data on variant occurrences in the general population are insufficient to allow any conclusion about variant significance. To our knowledge, no occurrence of c.7625G>T in individuals affected with Familial Acute Necrotizing Encephalopathy and no experimental evidence demonstrating its impact on protein function have been reported. One ClinVar submitter has assessed the variant since 2014, and classified it as uncertain significance. Based on the evidence outlined above, the variant was classified as uncertain significance.

Labcorp Genetics (formerly Invitae), Labcorp
Classification: Uncertain significance for Familial acute necrotizing encephalopathy. Last evaluated: 2021-08-28. Review status: criteria provided, single submitter. Criteria: Invitae Variant Classification Sherloc (09022015). Collection method: clinical testing. Allele origin: germline.